The following is an entry in ClinVar:

ClinVar aggregate classification (germline): Uncertain significance. Review status: criteria provided, multiple submitters, no conflicts (2 of 4 stars). 2 submissions from 2 submitters: Uncertain significance (2). Last evaluated 2026-03-14.

Conditions:
OPA1-related disorder. Also called: OPA1-related condition; OPA1-related disorders.

Allele frequency attached by ClinVar (database versions not stated): ExAC 0.00002; ESP Exome Variant Server 0.00008.
gnomAD v4.1: 9 of 1,613,048 alleles (0.00056%); highest among the groups gnomAD compares: Non-Finnish European, 0.00076%; no homozygotes.

Submissions (2):

PreventionGenetics, part of Exact Sciences
Classification: Uncertain significance for OPA1-related condition. Last evaluated: 2026-03-14. Review status: criteria provided, single submitter. Criteria: ACMG Guidelines, 2015. Collection method: clinical testing. Allele origin: germline.
Comment: The OPA1 c.580A>G variant is predicted to result in the amino acid substitution p.Ile194Val. To our knowledge, this variant has not been reported in the literature. This variant is reported in 0.00088% of alleles in individuals of European (Non-Finnish) descent in gnomAD. At this time, the clinical significance of this variant is uncertain due to the absence of conclusive functional and genetic evidence.

Labcorp Genetics (formerly Invitae), Labcorp
Classification: Uncertain significance. Last evaluated: 2025-08-10. Review status: criteria provided, single submitter. Criteria: Invitae Variant Classification Sherloc (09022015). Collection method: clinical testing. Allele origin: germline.
Comment: The OPA1 gene has multiple clinically relevant transcripts. This variant occurs in alternate transcript NM_130837.2, and corresponds to NM_015560.2:c.556+522A>G in the primary transcript. This sequence change replaces isoleucine, which is neutral and non-polar, with valine, which is neutral and non-polar, at codon 194 of the OPA1 protein (p.Ile194Val). This variant is present in population databases (rs368853243, gnomAD 0.002%). This variant has not been reported in the literature in individuals affected with OPA1-related conditions. ClinVar contains an entry for this variant (Variation ID: 1590762). Experimental studies and prediction algorithms are not available or were not evaluated, and the functional significance of this variant is currently unknown. Algorithms developed to predict the effect of sequence changes on RNA splicing suggest that this variant may create or strengthen a splice site. In summary, the available evidence is currently insufficient to determine the role of this variant in disease. Therefore, it has been classified as a Variant of Uncertain Significance.

NM_130837.3(OPA1):c.580A>G (p.Ile194Val)

Gene: OPA1 (OPA1 mitochondrial dynamin like GTPase; plus strand). Cytogenetic location: 3q29.
Variant type: single nucleotide variant.
Coding change: c.580A>G on transcript NM_130837.3 (MANE Select); coding-DNA position 580, A replaced by G.
Protein change: p.Ile194Val; replaces isoleucine 194 with valine.
Molecular consequence: missense variant. On other transcripts: intron variant (6).
Genome position (GRCh38, 1-based): chr3:193,617,807, A>G. VCF-style: chr3-193617807-A-G. GRCh37 (hg19) VCF-style: chr3-193335596-A-G.
Other names: c.472A>G, p.Ile158Val (NM_130832.3, NM_130835.3); c.580A>G, p.Ile194Val (NM_130834.3); c.184+522A>G (NM_001354664.2); c.77-1062A>G (NM_001354663.2); c.556+522A>G (NM_130836.3, NM_015560.3); c.449-1062A>G (NM_130833.3, NM_130831.3); c.580A>G (NM_130837.2); short protein forms I158V, I194V.
Identifiers: ClinVar variation 1590762 (VCV001590762.9), dbSNP rs368853243, ClinGen allele CA2759063.